The following is an entry in ClinVar:

NM_022455.5(NSD1):c.3687del (p.Ala1230fs)

Gene: NSD1 (nuclear receptor binding SET domain protein 1; plus strand). Cytogenetic location: 5q35.3.
Variant type: Deletion.
Coding change: c.3687del on transcript NM_022455.5 (MANE Select); coding-DNA position 3687, one base deleted (A; older notation c.3687delA).
Protein change: p.Ala1230fs; shifts the reading frame from alanine 1230.
Molecular consequence: frameshift variant.
Genome position (GRCh38, 1-based): chr5:177,212,086, A deleted. VCF-style (leftmost placement, unchanged base first): chr5-177212085-CA-C. GRCh37 (hg19) VCF-style: chr5-176639086-CA-C.
Other names: c.2814delA, p.Ala939Leufs (NM_001365684.2, NM_001409306.1, NM_001409307.1 and 3 more transcripts); c.3687delA, p.Ala1230Leufs (NM_001409301.1, NM_001409302.1, NM_001409303.1); c.3267delA, p.Ala1090Leufs (NM_001409304.1); c.2934delA, p.Ala979Leufs (NM_001409305.1); short protein forms A1230fs, A961fs.
Identifiers: ClinVar variation 1456301 (VCV001456301.6), dbSNP rs2149849204, ClinGen allele CA2573139472.
Genomic context (GRCh38, chr5:177,212,085, plus strand): 5'-CTTCAGCAAGCATACTTGAGGAACCACTGACAGAGCAAAATCATGCTGACTGCTTAGATT[CA>C]GCTGGGCCACGGTTAAATGTTTGTGATAAATCCAGTGCCAGCATTGGTGACATGGAAAAG-3'

ClinVar aggregate classification (germline): Pathogenic (1 of 4 stars; one submission).

Submission:

Labcorp Genetics (formerly Invitae), Labcorp
Classification: Pathogenic. Last evaluated: 2020-12-16. Review status: criteria provided, single submitter. Criteria: Invitae Variant Classification Sherloc (09022015). Collection method: clinical testing. Allele origin: germline.
Comment: This sequence change creates a premature translational stop signal (p.Ala1230Leufs*5) in the NSD1 gene. It is expected to result in an absent or disrupted protein product. Loss-of-function variants in NSD1 are known to be pathogenic (PMID: 12464997, 14571271, 15942875, 16247291). For these reasons, this variant has been classified as Pathogenic. This variant has not been reported in the literature in individuals with NSD1-related conditions. This variant is not present in population databases (ExAC no frequency).

Literature cited by the submitters: PubMed 12464997; PubMed 14571271; PubMed 15942875; PubMed 16247291.